The following is an entry in ClinVar:

NM_004046.6(ATP5F1A):c.512G>A (p.Arg171Gln)

Gene: ATP5F1A (ATP synthase F1 subunit alpha; minus strand). Cytogenetic location: 18q21.1.
Variant type: single nucleotide variant.
Coding change: c.512G>A on transcript NM_004046.6 (MANE Select); coding-DNA position 512, G replaced by A.
Protein change: p.Arg171Gln; replaces arginine 171 with glutamine.
Molecular consequence: missense variant.
Genome position (GRCh38, 1-based): chr18:46,089,704, C>T on the plus strand (G>A on the coding strand, the complement: ATP5F1A is on the minus strand). VCF-style: chr18-46089704-C-T. GRCh37 (hg19) VCF-style: chr18-43669670-C-T.
Other names: c.362G>A, p.Arg121Gln (NM_001001935.3, NM_001257335.2); c.512G>A, p.Arg171Gln (NM_001001937.2); c.446G>A, p.Arg149Gln (NM_001257334.2); c.512G>A (NM_001001937.1); short protein forms R121Q, R149Q, R171Q.
Identifiers: ClinVar variation 3606114 (VCV003606114.4).

ClinVar aggregate classification (germline): Uncertain significance. Review status: criteria provided, multiple submitters, no conflicts (2 of 4 stars). 3 submissions from 3 submitters: Uncertain significance (3). Last evaluated 2025-04-25.

Conditions:
Inborn genetic diseases. Identifiers: MedGen C0950123, MeSH D030342.

Submissions (3):

Ambry Genetics
Classification: Uncertain significance for Inborn genetic diseases. Last evaluated: 2025-04-25. Review status: criteria provided, single submitter. Criteria: Ambry Variant Classification Scheme 2023. Collection method: clinical testing. Allele origin: germline.

GeneDx
Classification: Uncertain significance. Last evaluated: 2024-12-27. Review status: criteria provided, single submitter. Criteria: GeneDx Variant Classification Process June 2021. Collection method: clinical testing. Allele origin: germline. Affected: yes.
Comment: In silico analysis supports that this missense variant has a deleterious effect on protein structure/function; Has not been previously published as pathogenic or benign to our knowledge

Labcorp Genetics (formerly Invitae), Labcorp
Classification: Uncertain significance. Last evaluated: 2024-10-08. Review status: criteria provided, single submitter. Criteria: Invitae Variant Classification Sherloc (09022015). Collection method: clinical testing. Allele origin: germline.
Comment: This sequence change replaces arginine, which is basic and polar, with glutamine, which is neutral and polar, at codon 171 of the ATP5A1 protein (p.Arg171Gln). This variant is present in population databases (rs577318758, gnomAD 0.01%). This variant has not been reported in the literature in individuals affected with ATP5A1-related conditions. Invitae Evidence Modeling of protein sequence and biophysical properties (such as structural, functional, and spatial information, amino acid conservation, physicochemical variation, residue mobility, and thermodynamic stability) indicates that this missense variant is not expected to disrupt ATP5A1 protein function with a negative predictive value of 80%. In summary, the available evidence is currently insufficient to determine the role of this variant in disease. Therefore, it has been classified as a Variant of Uncertain Significance.